The following is an entry in ClinVar:

ClinVar aggregate classification (germline): Uncertain significance. Review status: criteria provided, multiple submitters, no conflicts (2 of 4 stars). 2 submissions from 2 submitters: Uncertain significance (2). Last evaluated 2025-11-21.

Conditions:
Hereditary cancer-predisposing syndrome. Also called: Neoplastic Syndromes, Hereditary; Hereditary Cancer Syndrome; Tumor predisposition; Hereditary neoplastic syndrome. Identifiers: Orphanet 140162, MedGen C0027672, MeSH D009386, MONDO:0015356.
Neuroblastoma, susceptibility to, 3. Also called: ALK-Related Neuroblastic Tumor Susceptibility. Identifiers: Orphanet 635, MedGen C2751681, MONDO:0013083, OMIM 613014.

Allele frequency attached by ClinVar (database versions not stated): TOPMed 0.00001.

Submissions (2):

Ambry Genetics
Classification: Uncertain significance for Hereditary cancer-predisposing syndrome. Last evaluated: 2025-11-21. Review status: criteria provided, single submitter. Criteria: Ambry Variant Classification Scheme 2023. Collection method: clinical testing. Allele origin: germline.
Comment: The c.3450+4A>G intronic variant results from an A to G substitution 4 nucleotides after coding exon 21 in the ALK gene. This nucleotide position is well conserved in available vertebrate species. In silico splice site analysis predicts that this alteration will not have any significant effect on splicing. Based on the available evidence, the clinical significance of this variant remains unclear.

Labcorp Genetics (formerly Invitae), Labcorp
Classification: Uncertain significance for Neuroblastoma, susceptibility to, 3. Last evaluated: 2024-12-31. Review status: criteria provided, single submitter. Criteria: Invitae Variant Classification Sherloc (09022015). Collection method: clinical testing. Allele origin: germline.
Comment: This sequence change falls in intron 21 of the ALK gene. It does not directly change the encoded amino acid sequence of the ALK protein. It affects a nucleotide within the consensus splice site. This variant is not present in population databases (gnomAD no frequency). This variant has not been reported in the literature in individuals affected with ALK-related conditions. ClinVar contains an entry for this variant (Variation ID: 2566570). Variants that disrupt the consensus splice site are a relatively common cause of aberrant splicing (PMID: 17576681, 9536098). Algorithms developed to predict the effect of sequence changes on RNA splicing suggest that this variant is not likely to affect RNA splicing. In summary, the available evidence is currently insufficient to determine the role of this variant in disease. Therefore, it has been classified as a Variant of Uncertain Significance.

Literature cited by the submitters: PubMed 17576681 (cited by Labcorp Genetics (formerly Invitae), Labcorp); PubMed 9536098 (cited by Labcorp Genetics (formerly Invitae), Labcorp).

NM_004304.5(ALK):c.3450+4A>G

Gene: ALK (ALK receptor tyrosine kinase; minus strand). Cytogenetic location: 2p23.2.
Variant type: single nucleotide variant.
Coding change: c.3450+4A>G on transcript NM_004304.5 (MANE Select); 4 bases into the intron after coding-DNA position 3450, A replaced by G.
Molecular consequence: intron variant.
Genome position (GRCh38, 1-based): chr2:29,222,513, T>C on the plus strand (A>G on the coding strand, the complement: ALK is on the minus strand). VCF-style: chr2-29222513-T-C. GRCh37 (hg19) VCF-style: chr2-29445379-T-C.
Other names: c.246+4A>G (NM_001353765.2).
Identifiers: ClinVar variation 2566570 (VCV002566570.5), dbSNP rs1669831863, ClinGen allele CA1241090602.